The following is an entry in ClinVar:

NM_017777.4(MKS1):c.473G>A (p.Arg158Gln)

Gene: MKS1 (MKS transition zone complex subunit 1; minus strand). Cytogenetic location: 17q22.
Variant type: single nucleotide variant.
Coding change: c.473G>A on transcript NM_017777.4 (MANE Select); coding-DNA position 473, G replaced by A.
Protein change: p.Arg158Gln; replaces arginine 158 with glutamine.
Molecular consequence: missense variant. On other transcripts: intron variant (1).
Genome position (GRCh38, 1-based): chr17:58,214,783, C>T on the plus strand (G>A on the coding strand, the complement: MKS1 is on the minus strand). VCF-style: chr17-58214783-C-T. GRCh37 (hg19) VCF-style: chr17-56292144-C-T.
Other names: c.473G>A, p.Arg158Gln (NM_001321269.2, NM_001330397.2); c.-94-396G>A (NM_001321268.2); short protein forms R158Q.
Identifiers: ClinVar variation 961598 (VCV000961598.13), dbSNP rs373471917, ClinGen allele CA400327195.
Genomic context (GRCh38, chr17:58,214,783, plus strand): 5'-TCCCATGCCCGCACTCACATCCCTCGCCTGTCCTGCCGGCGACGCCTGACATTTGCCATT[C>T]GCTCGACCAAGAATGAAGGCACCTCGCTGGCTGCAGTGGTCATTCTCTGACAGTGCTGGG-3'
Protein context (NP_060247.2, residues 148-168): ASEVPSFLVE[Arg158Gln]MANVRRRRQD

ClinVar aggregate classification (germline): Uncertain significance. Review status: criteria provided, multiple submitters, no conflicts (2 of 4 stars). 4 submissions from 4 submitters: Uncertain significance (2). 2 of the submissions do not count toward it. Last evaluated 2024-06-19.

Conditions:
Meckel syndrome, type 1 (MKS1). Also called: MECKEL-GRUBER SYNDROME, TYPE 1. Identifiers: Orphanet 564, MedGen C3714506, MONDO:0009571, OMIM 249000.
Optic atrophy. Identifiers: MedGen C0029124, MONDO:0003608, HP:0000648.
Meckel-Gruber syndrome. Also called: Dysencephalia splachnocystica; DYSENCEPHALIA SPLANCHNOCYSTICA; GRUBER SYNDROME. Identifiers: Orphanet 564, MedGen C0265215, MONDO:0018921.
Joubert syndrome. Also called: JOUBERT-BOLTSHAUSER SYNDROME; Familial aplasia of the vermis. Identifiers: Orphanet 475, MedGen C5979921, MONDO:0018772.
MKS1-related disorder. Also called: MKS1-related disorders; MKS1-related condition. Identifiers: MedGen CN239382.

Allele frequency attached by ClinVar (database versions not stated): gnomAD exomes below 0.00001.
gnomAD v4.1: 4 of 1,607,174 alleles (0.00025%); highest among the groups gnomAD compares: Admixed American, 0.0017%; no homozygotes.

Submissions (4):

Labcorp Genetics (formerly Invitae), Labcorp
Classification: Uncertain significance for Joubert syndrome; Meckel-Gruber syndrome. Last evaluated: 2024-06-19. Review status: criteria provided, single submitter. Criteria: Invitae Variant Classification Sherloc (09022015). Collection method: clinical testing. Allele origin: germline.
Comment: This sequence change replaces arginine, which is basic and polar, with glutamine, which is neutral and polar, at codon 158 of the MKS1 protein (p.Arg158Gln). This variant is present in population databases (no rsID available, gnomAD 0.007%). This variant has not been reported in the literature in individuals affected with MKS1-related conditions. ClinVar contains an entry for this variant (Variation ID: 961598). Advanced modeling of protein sequence and biophysical properties (such as structural, functional, and spatial information, amino acid conservation, physicochemical variation, residue mobility, and thermodynamic stability) performed at Invitae indicates that this missense variant is not expected to disrupt MKS1 protein function with a negative predictive value of 80%. In summary, the available evidence is currently insufficient to determine the role of this variant in disease. Therefore, it has been classified as a Variant of Uncertain Significance.

PreventionGenetics, part of Exact Sciences
Classification: Uncertain significance for MKS1-related condition. Last evaluated: 2023-06-26. Review status: criteria provided, single submitter. Criteria: ACMG Guidelines, 2015. Collection method: clinical testing. Allele origin: germline.
Comment: The MKS1 c.473G>A variant is predicted to result in the amino acid substitution p.Arg158Gln. To our knowledge, this variant has not been reported in the literature. This variant is reported in 0.0065% of alleles in individuals of European (Non-Finnish) descent in gnomAD. At this time, the clinical significance of this variant is uncertain due to the absence of conclusive functional and genetic evidence.

Institute of Human Genetics, Univ. Regensburg, Univ. Regensburg
Classification: Uncertain significance for Optic atrophy. Last evaluated: 2022-01-01. Review status: no assertion criteria provided. Criteria: ACMG Guidelines, 2015. Collection method: clinical testing. Allele origin: germline. Affected: yes. Not counted in ClinVar's aggregate classification.

Natera, Inc.
Classification: Uncertain significance for Meckel syndrome type 1. Last evaluated: 2020-08-03. Review status: no assertion criteria provided. Collection method: clinical testing. Allele origin: germline. Not counted in ClinVar's aggregate classification.